The following is an entry in ClinVar:

NM_000392.5(ABCC2):c.3500dup (p.Ser1168fs)

Gene: ABCC2 (ATP binding cassette subfamily C member 2; plus strand). Cytogenetic location: 10q24.2.
Variant type: Duplication.
Coding change: c.3500dup on transcript NM_000392.5 (MANE Select); coding-DNA position 3500, one base duplicated (T; older notation c.3500dupT).
Protein change: p.Ser1168fs; shifts the reading frame from serine 1168.
Molecular consequence: frameshift variant.
Genome position (GRCh38, 1-based): chr10:99,836,176, T duplicated. VCF-style (leftmost placement, unchanged base first): chr10-99836175-G-GT. GRCh37 (hg19) VCF-style: chr10-101595932-G-GT.
Other names: c.3500dup, p.Ser1168fs (LRG_1208t1); short protein forms S1168fs.
Identifiers: ClinVar variation 498805 (VCV000498805.9), dbSNP rs1333544687, ClinGen allele CA595452608.

ClinVar aggregate classification (germline): Pathogenic. Review status: criteria provided, multiple submitters, no conflicts (2 of 4 stars). 2 submissions from 2 submitters: Pathogenic (2). Last evaluated 2024-10-04.

Allele frequency attached by ClinVar (database versions not stated): gnomAD exomes below 0.00001 and 0.00001; TOPMed 0.00001; gnomAD 0.00003.

Submissions (2):

Labcorp Genetics (formerly Invitae), Labcorp
Classification: Pathogenic. Last evaluated: 2024-10-04. Review status: criteria provided, single submitter. Criteria: Invitae Variant Classification Sherloc (09022015). Collection method: clinical testing. Allele origin: germline.
Comment: This sequence change creates a premature translational stop signal (p.Ser1168Ilefs*10) in the ABCC2 gene. It is expected to result in an absent or disrupted protein product. Loss-of-function variants in ABCC2 are known to be pathogenic (PMID: 9185779, 16549534, 16952291). This variant is present in population databases (no rsID available, gnomAD 0.002%). This variant has not been reported in the literature in individuals affected with ABCC2-related conditions. ClinVar contains an entry for this variant (Variation ID: 498805). For these reasons, this variant has been classified as Pathogenic.

Eurofins Ntd Llc (ga)
Classification: Pathogenic. Last evaluated: 2016-11-22. Review status: criteria provided, single submitter. Criteria: EGL Classification Definitions 2015. Collection method: clinical testing. Allele origin: germline. Observed: 1 variant allele, 1 heterozygote.

Literature cited by the submitters: PubMed 9185779 (cited by Labcorp Genetics (formerly Invitae), Labcorp); PubMed 16549534 (cited by Labcorp Genetics (formerly Invitae), Labcorp); PubMed 16952291 (cited by Labcorp Genetics (formerly Invitae), Labcorp).